The following is an entry in ClinVar:

NM_005012.4(ROR1):c.995G>T (p.Arg332Leu)

Gene: ROR1 (receptor tyrosine kinase like orphan receptor 1; plus strand). Cytogenetic location: 1p31.3.
Variant type: single nucleotide variant.
Coding change: c.995G>T on transcript NM_005012.4 (MANE Select); coding-DNA position 995, G replaced by T.
Protein change: p.Arg332Leu; replaces arginine 332 with leucine.
Molecular consequence: missense variant.
Genome position (GRCh38, 1-based): chr1:64,142,471, G>T. VCF-style: chr1-64142471-G-T. GRCh37 (hg19) VCF-style: chr1-64608154-G-T.
Other names: c.995G>T, p.Arg332Leu (NM_001083592.2); short protein forms R332L.
Identifiers: ClinVar variation 2959720 (VCV002959720.3), dbSNP rs549660782, ClinGen allele CA340649426.

ClinVar aggregate classification (germline): Uncertain significance (1 of 4 stars; one submission).

gnomAD v4.1: 6 of 1,614,122 alleles (0.00037%); highest among the groups gnomAD compares: East Asian, 0.013%; no homozygotes.

Submission:

Labcorp Genetics (formerly Invitae), Labcorp
Classification: Uncertain significance. Last evaluated: 2023-10-14. Review status: criteria provided, single submitter. Criteria: Invitae Variant Classification Sherloc (09022015). Collection method: clinical testing. Allele origin: germline.
Comment: This sequence change replaces arginine, which is basic and polar, with leucine, which is neutral and non-polar, at codon 332 of the ROR1 protein (p.Arg332Leu). The frequency data for this variant in the population databases is considered unreliable, as metrics indicate poor data quality at this position in the gnomAD database. This variant has not been reported in the literature in individuals affected with ROR1-related conditions. Advanced modeling of protein sequence and biophysical properties (such as structural, functional, and spatial information, amino acid conservation, physicochemical variation, residue mobility, and thermodynamic stability) performed at Invitae indicates that this missense variant is not expected to disrupt ROR1 protein function. In summary, the available evidence is currently insufficient to determine the role of this variant in disease. Therefore, it has been classified as a Variant of Uncertain Significance.